The following is an entry in ClinVar:

NM_019074.4(DLL4):c.1742_1750del (p.Pro581_Ala583del)

Gene: DLL4 (delta like canonical Notch ligand 4; plus strand). Cytogenetic location: 15q15.1.
Variant type: Deletion.
Coding change: c.1742_1750del on transcript NM_019074.4 (MANE Select); coding-DNA positions 1742 to 1750, 9 bases deleted (CTGCCGCCC; older notation c.1742_1750delCTGCCGCCC).
Protein change: p.Pro581_Ala583del.
Molecular consequence: inframe deletion.
Genome position (GRCh38, 1-based): chr15:40,936,729-40,936,737, CTGCCGCCC deleted; deleting any 9 consecutive bases within chr15:40,936,728-40,936,737 gives the same sequence; the c. name uses the placement nearest the transcript's 3' end. VCF-style (leftmost placement, unchanged base first): chr15-40936727-TCCTGCCGCC-T. GRCh37 (hg19) VCF-style: chr15-41228925-TCCTGCCGCC-T.
Identifiers: ClinVar variation 2790693 (VCV002790693.3), dbSNP rs2542550136, ClinGen allele CA2575682942.

ClinVar aggregate classification (germline): Uncertain significance (1 of 4 stars; one submission).

Submission:

Labcorp Genetics (formerly Invitae), Labcorp
Classification: Uncertain significance. Last evaluated: 2023-10-22. Review status: criteria provided, single submitter. Criteria: Invitae Variant Classification Sherloc (09022015). Collection method: clinical testing. Allele origin: germline.
Comment: This variant, c.1742_1750del, results in the deletion of 3 amino acid(s) of the DLL4 protein (p.Pro581_Ala583del), but otherwise preserves the integrity of the reading frame. This variant is not present in population databases (gnomAD no frequency). This variant has not been reported in the literature in individuals affected with DLL4-related conditions. In summary, the available evidence is currently insufficient to determine the role of this variant in disease. Therefore, it has been classified as a Variant of Uncertain Significance.